The following is an entry in ClinVar:

NM_001375524.1(TRRAP):c.3081G>A (p.Met1027Ile)

Gene: TRRAP (transformation/transcription domain associated protein; plus strand). Cytogenetic location: 7q22.1.
Variant type: single nucleotide variant.
Coding change: c.3081G>A on transcript NM_001375524.1 (MANE Select); coding-DNA position 3081, G replaced by A.
Protein change: p.Met1027Ile; replaces methionine 1027 with isoleucine.
Molecular consequence: missense variant.
Genome position (GRCh38, 1-based): chr7:98,927,272, G>A. VCF-style: chr7-98927272-G-A. GRCh37 (hg19) VCF-style: chr7-98524895-G-A.
Other names: c.3081G>A, p.Met1027Ile (NM_001244580.2, NM_003496.4); short protein forms M1027I.
Identifiers: ClinVar variation 4887929 (VCV004887929.2).

ClinVar aggregate classification (germline): Conflicting classifications of pathogenicity. Review status: criteria provided, conflicting classifications (1 of 4 stars). 2 submissions from 2 submitters: Likely pathogenic (1); Uncertain significance (1). Last evaluated 2026-02-09.

Submissions (2):

GeneDx
Classification: Likely pathogenic. Last evaluated: 2026-02-09. Review status: criteria provided, single submitter. Criteria: GeneDx Variant Classification Process June 2021. Collection method: clinical testing. Allele origin: germline.
Comment: Not observed at significant frequency in large population cohorts (gnomAD); In silico analysis suggests that this missense variant does not alter protein structure/function; Has not been previously published as pathogenic or benign to our knowledge

Blueprint Genetics
Classification: Uncertain significance. Last evaluated: 2021-10-25. Review status: criteria provided, single submitter. Criteria: ACMG Guidelines, 2015. Collection method: clinical testing. Allele origin: germline.